The following is an entry in ClinVar:

ClinVar aggregate classification (germline): Uncertain significance (1 of 4 stars; one submission).

Conditions:
Catecholaminergic polymorphic ventricular tachycardia 1. Also called: RYR2-Related Catecholaminergic Polymorphic Ventricular Tachycardia; VENTRICULAR TACHYCARDIA, CATECHOLAMINERGIC POLYMORPHIC, 1, WITH OR WITHOUT ATRIAL DYSFUNCTION AND/OR DILATED CARDIOMYOPATHY; VENTRICULAR TACHYCARDIA, STRESS-INDUCED POLYMORPHIC 1. Identifiers: Orphanet 3286, MedGen C1631597, MONDO:0011484, OMIM 604772.

Submission:

Labcorp Genetics (formerly Invitae), Labcorp
Classification: Uncertain significance for Catecholaminergic polymorphic ventricular tachycardia 1. Last evaluated: 2022-10-20. Review status: criteria provided, single submitter. Criteria: Invitae Variant Classification Sherloc (09022015). Collection method: clinical testing. Allele origin: germline.
Comment: This sequence change falls in intron 42 of the RYR2 gene. It does not directly change the encoded amino acid sequence of the RYR2 protein. It affects a nucleotide within the consensus splice site. This variant is not present in population databases (gnomAD no frequency). This variant has not been reported in the literature in individuals affected with RYR2-related conditions. Variants that disrupt the consensus splice site are a relatively common cause of aberrant splicing (PMID: 17576681, 9536098). Algorithms developed to predict the effect of sequence changes on RNA splicing suggest that this variant is not likely to affect RNA splicing. In summary, the available evidence is currently insufficient to determine the role of this variant in disease. Therefore, it has been classified as a Variant of Uncertain Significance.

Literature cited by the submitters: PubMed 17576681; PubMed 9536098.

NM_001035.3(RYR2):c.6549_6555+3dup

Gene: RYR2 (ryanodine receptor 2; plus strand). Cytogenetic location: 1q43.
Variant type: Duplication.
Coding change: c.6549_6555+3dup on transcript NM_001035.3 (MANE Select); coding-DNA position 6549 through 3 bases into the intron after coding-DNA position 6555, 10 bases duplicated (GTCCAAGGTA; older notation c.6549_6555+3dupGTCCAAGGTA).
Molecular consequence: splice donor variant.
Genome position (GRCh38, 1-based): chr1:237,631,535-237,631,544, GTCCAAGGTA duplicated; duplicating any 10 consecutive bases within chr1:237,631,534-237,631,544 gives the same sequence; the c. name uses the placement nearest the transcript's 3' end. VCF-style (leftmost placement, unchanged base first): chr1-237631533-G-GAGTCCAAGGT. GRCh37 (hg19) VCF-style: chr1-237794833-G-GAGTCCAAGGT.
Identifiers: ClinVar variation 2809129 (VCV002809129.3), dbSNP rs2546907491, ClinGen allele CA2739274067.